The following is an entry in ClinVar:

NM_002424.3(MMP8):c.1348C>T (p.Gln450Ter)

Gene: MMP8 (matrix metallopeptidase 8; minus strand). Cytogenetic location: 11q22.2.
Variant type: single nucleotide variant.
Coding change: c.1348C>T on transcript NM_002424.3 (MANE Select); coding-DNA position 1348, C replaced by T.
Protein change: p.Gln450Ter; replaces glutamine 450 with a stop codon.
Molecular consequence: nonsense.
Genome position (GRCh38, 1-based): chr11:102,713,404, G>A on the plus strand (C>T on the coding strand, the complement: MMP8 is on the minus strand). VCF-style: chr11-102713404-G-A. GRCh37 (hg19) VCF-style: chr11-102584135-G-A.
Other names: c.1279C>T, p.Gln427Ter (NM_001304441.2, NM_001304442.2); short protein forms Q450*, Q427*.
Identifiers: ClinVar variation 403101 (VCV000403101.5), dbSNP rs35231465, ClinGen allele CA6249182.
Genomic context (GRCh38, chr11:102,713,404, plus strand): 5'-TGCTTCAGCCATATCTACAGTTAAGCCATTTATTGCCTCTTGCAACTCTGGTAACTCTCT[G>A]AGCAATAAGATCAAATGCGTAATATCTTGGTCCACTGAAGACATGGAAGAAATCTATAAA-3'

ClinVar aggregate classification (germline): Likely benign. Review status: criteria provided, multiple submitters, no conflicts (2 of 4 stars). 2 submissions from 2 submitters: Likely benign (2). Last evaluated 2016-03-28.

Allele frequency attached by ClinVar (database versions not stated): 1000 Genomes Project 0.00639; 1000 Genomes Project 30x 0.00718; gnomAD 0.01544 and 0.01589; TOPMed 0.01562; ExAC 0.01609; gnomAD exomes 0.01629 and 0.02132; ESP Exome Variant Server 0.01646.

Submissions (2):

Laboratory for Molecular Medicine, Mass General Brigham Personalized Medicine
Classification: Likely benign. Last evaluated: 2016-03-28. Review status: criteria provided, single submitter. Criteria: LMM Criteria. Collection method: clinical testing. Allele origin: germline.
Comment: Variant identified in a genome or exome case(s) and assessed due to predicted null impact of the variant or pathogenic assertions in the literature or databases. Disclaimer: This variant has not undergone full assessment. The following are preliminary notes: Frequency in ESP (all): 214/13004= 1.64%

Breakthrough Genomics
Classification: Likely benign. Review status: criteria provided, single submitter. Criteria: ACMG Guidelines, 2015. Collection method: not provided. Allele origin: germline. Inheritance: Unknown mechanism. Affected: yes.